The following is an entry in ClinVar:

NM_001111.5(ADAR):c.2788T>C (p.Tyr930His)

Gene: ADAR (adenosine deaminase RNA specific; minus strand). Cytogenetic location: 1q21.3.
Variant type: single nucleotide variant.
Coding change: c.2788T>C on transcript NM_001111.5 (MANE Select); coding-DNA position 2788, T replaced by C.
Protein change: p.Tyr930His; replaces tyrosine 930 with histidine.
Molecular consequence: missense variant.
Genome position (GRCh38, 1-based): chr1:154,588,648, A>G on the plus strand (T>C on the coding strand, the complement: ADAR is on the minus strand). VCF-style: chr1-154588648-A-G. GRCh37 (hg19) VCF-style: chr1-154561124-A-G.
Other names: c.1903T>C, p.Tyr635His (NM_001025107.3, NM_001193495.2, NM_001365046.1 and 2 more transcripts); c.2815T>C, p.Tyr939His (NM_001365045.1); c.1825T>C, p.Tyr609His (NM_001365049.1); c.2710T>C, p.Tyr904His (NM_015840.4); c.2653T>C, p.Tyr885His (NM_015841.4); short protein forms Y939H, Y885H, Y904H, Y930H, Y609H, Y635H.
Identifiers: ClinVar variation 2922691 (VCV002922691.3), dbSNP rs2526494238, ClinGen allele CA342636446.

ClinVar aggregate classification (germline): Uncertain significance (1 of 4 stars; one submission).

Conditions:
Symmetrical dyschromatosis of extremities (DSH). Also called: DYSCHROMATOSIS SYMMETRICA HEREDITARIA 1; RETICULATE ACROPIGMENTATION OF DOHI; SYMMETRIC DYSCHROMATOSIS OF THE EXTREMITIES; Dyschromatosis symmetrica hereditaria. Identifiers: Orphanet 41, MedGen C0406775, MONDO:0007483, OMIM 127400.
Aicardi-Goutieres syndrome 6 (AGS6). Identifiers: Orphanet 51, MedGen C3539013, MONDO:0014007, OMIM 615010.

Submission:

Labcorp Genetics (formerly Invitae), Labcorp
Classification: Uncertain significance for Aicardi-Goutieres syndrome 6; Symmetrical dyschromatosis of extremities. Last evaluated: 2024-01-29. Review status: criteria provided, single submitter. Criteria: Invitae Variant Classification Sherloc (09022015). Collection method: clinical testing. Allele origin: germline.
Comment: This sequence change replaces tyrosine, which is neutral and polar, with histidine, which is basic and polar, at codon 930 of the ADAR protein (p.Tyr930His). This variant is not present in population databases (gnomAD no frequency). This variant has not been reported in the literature in individuals affected with ADAR-related conditions. Advanced modeling of protein sequence and biophysical properties (such as structural, functional, and spatial information, amino acid conservation, physicochemical variation, residue mobility, and thermodynamic stability) performed at Invitae indicates that this missense variant is not expected to disrupt ADAR protein function with a negative predictive value of 80%. In summary, the available evidence is currently insufficient to determine the role of this variant in disease. Therefore, it has been classified as a Variant of Uncertain Significance.